The following is an entry in ClinVar:

NM_030625.3(TET1):c.2047C>G (p.Gln683Glu)

Gene: TET1 (tet methylcytosine dioxygenase 1; plus strand). Cytogenetic location: 10q21.3.
Variant type: single nucleotide variant.
Coding change: c.2047C>G on transcript NM_030625.3 (MANE Select); coding-DNA position 2047, C replaced by G.
Protein change: p.Gln683Glu; replaces glutamine 683 with glutamic acid.
Molecular consequence: missense variant. On other transcripts: intron variant (4).
Genome position (GRCh38, 1-based): chr10:68,644,776, C>G. VCF-style: chr10-68644776-C-G. GRCh37 (hg19) VCF-style: chr10-70404533-C-G.
Other names: c.2047C>G, p.Gln683Glu (NM_001406365.1); c.136C>G, p.Gln46Glu (NM_001406367.1); c.34C>G, p.Gln12Glu (NM_001406368.1, NM_001406369.1, NM_001406370.1 and 2 more transcripts); c.1969-22269C>G (NM_001406373.1, NM_001406374.1); c.-80-7070C>G (NM_001406375.1, NM_001406376.1); short protein forms Q12E, Q46E, Q683E.
Identifiers: ClinVar variation 3352620 (VCV003352620.1).

ClinVar aggregate classification (germline): Likely benign (0 of 4 stars; one submission).

Conditions:
TET1-related disorder. Also called: TET1-related condition.

Submission:

PreventionGenetics, part of Exact Sciences
Classification: Likely benign for TET1-related condition. Last evaluated: 2024-05-03. Review status: no assertion criteria provided. Collection method: clinical testing. Allele origin: germline.
Comment: This variant is classified as likely benign based on ACMG/AMP sequence variant interpretation guidelines (Richards et al. 2015 PMID: 25741868, with internal and published modifications).